The following is an entry in ClinVar:

ClinVar aggregate classification (germline): Uncertain significance (1 of 4 stars; one submission).

Conditions:
Cardiovascular phenotype. Identifiers: MedGen CN230736.

Submission:

Ambry Genetics
Classification: Uncertain significance for Cardiovascular phenotype. Last evaluated: 2024-11-18. Review status: criteria provided, single submitter. Criteria: Ambry Variant Classification Scheme 2023. Collection method: clinical testing. Allele origin: germline.
Comment: The p.E872K variant (also known as c.2614G>A), located in coding exon 18 of the APOB gene, results from a G to A substitution at nucleotide position 2614. The glutamic acid at codon 872 is replaced by lysine, an amino acid with similar properties. This amino acid position is conserved. In addition, this alteration is predicted to be tolerated by in silico analysis. Based on the available evidence, the clinical significance of this variant remains unclear.

NM_000384.3(APOB):c.2614G>A (p.Glu872Lys)

Gene: APOB (apolipoprotein B; minus strand). Cytogenetic location: 2p24.1.
Variant type: single nucleotide variant.
Coding change: c.2614G>A on transcript NM_000384.3 (MANE Select); coding-DNA position 2614, G replaced by A.
Protein change: p.Glu872Lys; replaces glutamic acid 872 with lysine.
Molecular consequence: missense variant.
Genome position (GRCh38, 1-based): chr2:21,023,033, C>T on the plus strand (G>A on the coding strand, the complement: APOB is on the minus strand). VCF-style: chr2-21023033-C-T. GRCh37 (hg19) VCF-style: chr2-21245905-C-T.
Other names: short protein forms E872K.
Identifiers: ClinVar variation 3416391 (VCV003416391.1).
Genomic context (GRCh38, chr2:21,023,033, plus strand): 5'-GAATGATGATGCCCATATTTGTCACAAACTCCACAGACACGGAGGGTTTTGCCACCAGTT[C>T]AGCCTGCATCTATAAGTCAGAAAACAACCTATTCAGATTCATTAAATACTTCAGTCCCCT-3'
Protein context (NP_000375.3, residues 862-882): VKLEVANMQA[Glu872Lys]LVAKPSVSVE